The following is an entry in ClinVar:

NM_001231.5(CASQ1):c.1103C>T (p.Pro368Leu)

Gene: CASQ1 (calsequestrin 1; plus strand). Cytogenetic location: 1q23.2.
Variant type: single nucleotide variant.
Coding change: c.1103C>T on transcript NM_001231.5 (MANE Select); coding-DNA position 1103, C replaced by T.
Protein change: p.Pro368Leu; replaces proline 368 with leucine.
Molecular consequence: missense variant.
Genome position (GRCh38, 1-based): chr1:160,201,288, C>T. VCF-style: chr1-160201288-C-T. GRCh37 (hg19) VCF-style: chr1-160171078-C-T.
Other names: short protein forms P368L.
Identifiers: ClinVar variation 1464836 (VCV001464836.6), dbSNP rs2101679736, ClinGen allele CA343263977.
Genomic context (GRCh38, chr1:160,201,288, plus strand): 5'-CCTGTGCCATCTCCTAGGCGGATAGCGTATGGATGGAAATGGACGATGAGGAGGACCTGC[C>T]TTCTGCTGAGGAGCTGGAGGACTGGCTGGAGGATGTCCTGGAGGGCGAGATCAACACAGA-3'
Protein context (NP_001222.3, residues 358-378): WMEMDDEEDL[Pro368Leu]SAEELEDWLE

ClinVar aggregate classification (germline): Uncertain significance (1 of 4 stars; one submission).

Allele frequency attached by ClinVar (database versions not stated): gnomAD exomes below 0.00001.

Submission:

Labcorp Genetics (formerly Invitae), Labcorp
Classification: Uncertain significance. Last evaluated: 2021-09-08. Review status: criteria provided, single submitter. Criteria: Invitae Variant Classification Sherloc (09022015). Collection method: clinical testing. Allele origin: germline.
Comment: This sequence change replaces proline with leucine at codon 368 of the CASQ1 protein (p.Pro368Leu). The proline residue is highly conserved and there is a moderate physicochemical difference between proline and leucine. This variant is not present in population databases (ExAC no frequency). This variant has not been reported in the literature in individuals affected with CASQ1-related conditions. Algorithms developed to predict the effect of missense changes on protein structure and function are either unavailable or do not agree on the potential impact of this missense change (SIFT: "Deleterious"; PolyPhen-2: "Possibly Damaging"; Align-GVGD: "Class C15"). In summary, the available evidence is currently insufficient to determine the role of this variant in disease. Therefore, it has been classified as a Variant of Uncertain Significance.